The following is an entry in ClinVar:

NM_006514.4(SCN10A):c.1868-118A>C

Gene: SCN10A (sodium voltage-gated channel alpha subunit 10; minus strand). Cytogenetic location: 3p22.2.
Variant type: single nucleotide variant.
Coding change: c.1868-118A>C on transcript NM_006514.4 (MANE Select); 118 bases into the intron before coding-DNA position 1868, A replaced by C.
Molecular consequence: intron variant.
Genome position (GRCh38, 1-based): chr3:38,742,647, T>G on the plus strand (A>C on the coding strand, the complement: SCN10A is on the minus strand). VCF-style: chr3-38742647-T-G. GRCh37 (hg19) VCF-style: chr3-38784138-T-G.
Other names: c.1574-118A>C (NM_001293307.2); c.1868-118A>C (NM_001293306.2).
Identifiers: ClinVar variation 674522 (VCV000674522.2), dbSNP rs72866265, ClinGen allele CA72977663.

ClinVar aggregate classification (germline): Benign. Review status: criteria provided, multiple submitters, no conflicts (2 of 4 stars). 2 submissions from 2 submitters: Benign (2). Last evaluated 2018-06-14.

Allele frequency attached by ClinVar (database versions not stated): gnomAD 0.09091 and 0.09157; TOPMed 0.10325; 1000 Genomes Project 30x 0.13538; 1000 Genomes Project 0.13798.
gnomAD v4.1: 49,330 of 761,970 alleles (6.5%); highest among the groups gnomAD compares: African/African-American, 20%; 3,141 homozygotes.

Submissions (2):

GeneDx
Classification: Benign. Last evaluated: 2018-06-14. Review status: criteria provided, single submitter. Criteria: GeneDx Variant Classification (06012015). Collection method: clinical testing. Allele origin: germline. Affected: yes.
Comment: This variant is considered likely benign or benign based on one or more of the following criteria: it is a conservative change, it occurs at a poorly conserved position in the protein, it is predicted to be benign by multiple in silico algorithms, and/or has population frequency not consistent with disease.

Breakthrough Genomics
Classification: Benign. Review status: criteria provided, single submitter. Criteria: ACMG Guidelines, 2015. Collection method: not provided. Allele origin: germline. Inheritance: Autosomal dominant inheritance. Affected: yes.